The following is an entry in ClinVar:

ClinVar aggregate classification (germline): Uncertain significance. Review status: criteria provided, multiple submitters, no conflicts (2 of 4 stars). 2 submissions from 2 submitters: Uncertain significance (2). Last evaluated 2025-10-07.

Conditions:
Inborn genetic diseases. Identifiers: MedGen C0950123, MeSH D030342.

gnomAD v4.1: 10 of 1,613,812 alleles (0.00062%); highest among the groups gnomAD compares: Middle Eastern, 0.017%; no homozygotes.

Submissions (2):

Ambry Genetics
Classification: Uncertain significance for Inborn genetic diseases. Last evaluated: 2025-10-07. Review status: criteria provided, single submitter. Criteria: Ambry Variant Classification Scheme 2023. Collection method: clinical testing. Allele origin: germline.

Labcorp Genetics (formerly Invitae), Labcorp
Classification: Uncertain significance. Last evaluated: 2025-08-11. Review status: criteria provided, single submitter. Criteria: Invitae Variant Classification Sherloc (09022015). Collection method: clinical testing. Allele origin: germline.
Comment: This sequence change replaces alanine, which is neutral and non-polar, with threonine, which is neutral and polar, at codon 28 of the AP2M1 protein (p.Ala28Thr). This variant is present in population databases (no rsID available, gnomAD 0.01%). This variant has not been reported in the literature in individuals affected with AP2M1-related conditions. An algorithm developed to predict the effect of missense changes on protein structure and function (PolyPhen-2) suggests that this variant is likely to be tolerated. In summary, the available evidence is currently insufficient to determine the role of this variant in disease. Therefore, it has been classified as a Variant of Uncertain Significance.

NM_004068.4(AP2M1):c.82G>A (p.Ala28Thr)

Gene: AP2M1 (adaptor related protein complex 2 subunit mu 1; plus strand). Cytogenetic location: 3q27.1.
Variant type: single nucleotide variant.
Coding change: c.82G>A on transcript NM_004068.4 (MANE Select); coding-DNA position 82, G replaced by A.
Protein change: p.Ala28Thr; replaces alanine 28 with threonine.
Molecular consequence: missense variant.
Genome position (GRCh38, 1-based): chr3:184,178,864, G>A. VCF-style: chr3-184178864-G-A. GRCh37 (hg19) VCF-style: chr3-183896652-G-A.
Other names: c.82G>A, p.Ala28Thr (NM_001025205.2); c.157G>A, p.Ala53Thr (NM_001311198.2); short protein forms A53T, A28T.
Identifiers: ClinVar variation 4581734 (VCV004581734.2).
Genomic context (GRCh38, chr3:184,178,864, plus strand): 5'-GGGGTAAGGTTCACCTGGGTGCTGAGCAGGCCCTATGCACTCTTTTCCCTCAGGAGGAAC[G>A]CAGTGGATGCCTTTCGGGTCAATGTTATCCATGCCCGGCAGCAGGTGCGCAGCCCCGTCA-3'
Protein context (NP_004059.2, residues 18-38): RVYRDDIGRN[Ala28Thr]VDAFRVNVIH